The following is an entry in ClinVar:

NM_014679.5(CEP57):c.698A>T (p.Glu233Val)

Gene: CEP57 (centrosomal protein 57; plus strand). Cytogenetic location: 11q21.
Variant type: single nucleotide variant.
Coding change: c.698A>T on transcript NM_014679.5 (MANE Select); coding-DNA position 698, A replaced by T.
Protein change: p.Glu233Val; replaces glutamic acid 233 with valine.
Molecular consequence: missense variant.
Genome position (GRCh38, 1-based): chr11:95,818,903, A>T. VCF-style: chr11-95818903-A-T. GRCh37 (hg19) VCF-style: chr11-95552067-A-T.
Other names: c.671A>T, p.Glu224Val (NM_001243776.2); c.698A>T, p.Glu233Val (NM_001243777.2); c.617A>T, p.Glu206Val (NM_001363604.2); c.698A>T (NM_014679.4); short protein forms E206V, E224V, E233V.
Identifiers: ClinVar variation 2154792 (VCV002154792.5), dbSNP rs1264656942, ClinGen allele CA382424157.

ClinVar aggregate classification (germline): Uncertain significance. Review status: criteria provided, multiple submitters, no conflicts (2 of 4 stars). 2 submissions from 2 submitters: Uncertain significance (2). Last evaluated 2025-04-01.

Conditions:
Mosaic variegated aneuploidy syndrome 2 (MVA2). Identifiers: Orphanet 1052, MedGen C3279843, MONDO:0013582, OMIM 614114.
Inborn genetic diseases. Identifiers: MedGen C0950123, MeSH D030342.

gnomAD v4.1: 2 of 1,613,052 alleles (0.00012%); highest among the groups gnomAD compares: Non-Finnish European, 0.00017%; no homozygotes.

Submissions (2):

Ambry Genetics
Classification: Uncertain significance for Inborn genetic diseases. Last evaluated: 2025-04-01. Review status: criteria provided, single submitter. Criteria: Ambry Variant Classification Scheme 2023. Collection method: clinical testing. Allele origin: germline.
Comment: The p.E233V variant (also known as c.698A>T), located in coding exon 6 of the CEP57 gene, results from an A to T substitution at nucleotide position 698. The glutamic acid at codon 233 is replaced by valine, an amino acid with dissimilar properties. This amino acid position is conserved. In addition, this alteration is predicted to be tolerated by in silico analysis. Based on the available evidence, the clinical significance of this variant remains unclear.

Labcorp Genetics (formerly Invitae), Labcorp
Classification: Uncertain significance for Mosaic variegated aneuploidy syndrome 2. Last evaluated: 2022-04-08. Review status: criteria provided, single submitter. Criteria: Invitae Variant Classification Sherloc (09022015). Collection method: clinical testing. Allele origin: germline.
Comment: In summary, the available evidence is currently insufficient to determine the role of this variant in disease. Therefore, it has been classified as a Variant of Uncertain Significance. Algorithms developed to predict the effect of missense changes on protein structure and function (SIFT, PolyPhen-2, Align-GVGD) all suggest that this variant is likely to be disruptive. This variant has not been reported in the literature in individuals affected with CEP57-related conditions. This variant is present in population databases (no rsID available, gnomAD 0.0009%). This sequence change replaces glutamic acid, which is acidic and polar, with valine, which is neutral and non-polar, at codon 233 of the CEP57 protein (p.Glu233Val).